The following is an entry in ClinVar:

ClinVar aggregate classification (germline): Pathogenic. Review status: criteria provided, multiple submitters, no conflicts (2 of 4 stars). 4 submissions from 4 submitters: Pathogenic (4). Last evaluated 2024-09-14.

Conditions:
Cornelia de Lange syndrome 1 (CDLS1). Also called: Brachmann de Lange syndrome; NIPBL-Related Cornelia de Lange Syndrome; TYPUS DEGENERATIVUS AMSTELODAMENSIS. Identifiers: Orphanet 199, MedGen C4551851, MONDO:0007387, OMIM 122470.

Submissions (4):

Labcorp Genetics (formerly Invitae), Labcorp
Classification: Pathogenic for Cornelia de Lange syndrome 1. Last evaluated: 2024-09-14. Review status: criteria provided, single submitter. Criteria: Invitae Variant Classification Sherloc (09022015). Collection method: clinical testing. Allele origin: germline.
Comment: This sequence change creates a premature translational stop signal (p.Arg1819*) in the NIPBL gene. It is expected to result in an absent or disrupted protein product. Loss-of-function variants in NIPBL are known to be pathogenic (PMID: 15318302, 19763162, 23505322, 29995837). This variant is not present in population databases (gnomAD no frequency). This premature translational stop signal has been observed in individual(s) with Cornelia de Lange syndrome (PMID: 17221863). ClinVar contains an entry for this variant (Variation ID: 159150). For these reasons, this variant has been classified as Pathogenic.

GeneDx
Classification: Pathogenic. Last evaluated: 2023-03-06. Review status: criteria provided, single submitter. Criteria: GeneDx Variant Classification Process June 2021. Collection method: clinical testing. Allele origin: germline. Affected: yes.
Comment: Nonsense variant predicted to result in protein truncation or nonsense mediated decay in a gene for which loss-of-function is a known mechanism of disease; Not observed at significant frequency in large population cohorts (gnomAD); This variant is associated with the following publications: (PMID: 25525159, 32033219, 17221863)

Genome-Nilou Lab
Classification: Pathogenic for Cornelia de Lange syndrome 1. Last evaluated: 2021-07-15. Review status: criteria provided, single submitter. Criteria: ACMG Guidelines, 2015. Collection method: clinical testing. Allele origin: germline. Affected: no.

Genetic Services Laboratory, University of Chicago
Classification: Pathogenic for Cornelia de Lange syndrome 1. Last evaluated: 2013-02-08. Review status: criteria provided, single submitter. Criteria: ACMG Guidelines, 2007. Collection method: clinical testing. Allele origin: germline. Inheritance: Autosomal dominant inheritance. Affected: yes.

Literature cited by the submitters: PubMed 15318302 (cited by Labcorp Genetics (formerly Invitae), Labcorp); PubMed 19763162 (cited by Labcorp Genetics (formerly Invitae), Labcorp); PubMed 23505322 (cited by Labcorp Genetics (formerly Invitae), Labcorp); PubMed 29995837 (cited by Labcorp Genetics (formerly Invitae), Labcorp); PubMed 17221863 (cited by Labcorp Genetics (formerly Invitae), Labcorp).

NM_133433.4(NIPBL):c.5455C>T (p.Arg1819Ter)

Gene: NIPBL (NIPBL cohesin loading factor; plus strand). Cytogenetic location: 5p13.2.
Variant type: single nucleotide variant.
Coding change: c.5455C>T on transcript NM_133433.4 (MANE Select); coding-DNA position 5455, C replaced by T.
Protein change: p.Arg1819Ter; replaces arginine 1819 with a stop codon.
Molecular consequence: nonsense.
Genome position (GRCh38, 1-based): chr5:37,022,271, C>T. VCF-style: chr5-37022271-C-T. GRCh37 (hg19) VCF-style: chr5-37022373-C-T.
Other names: c.5455C>T, p.Arg1819Ter (NM_015384.5); short protein forms R1819*.
Identifiers: ClinVar variation 159150 (VCV000159150.16), dbSNP rs587783975, ClinGen allele CA272149.